The following is an entry in ClinVar:

ClinVar aggregate classification (germline): Pathogenic (1 of 4 stars; one submission).

Allele frequency attached by ClinVar (database versions not stated): TOPMed below 0.00001; ExAC 0.00001; gnomAD exomes 0.00001.

Submission:

Labcorp Genetics (formerly Invitae), Labcorp
Classification: Pathogenic. Last evaluated: 2023-03-18. Review status: criteria provided, single submitter. Criteria: Invitae Variant Classification Sherloc (09022015). Collection method: clinical testing. Allele origin: germline.
Comment: For these reasons, this variant has been classified as Pathogenic. This variant disrupts a region of the DFNB59 protein in which other variant(s) (p.Val330Leufs*7) have been determined to be pathogenic (PMID: 17718865). This suggests that this is a clinically significant region of the protein, and that variants that disrupt it are likely to be disease-causing. ClinVar contains an entry for this variant (Variation ID: 2092124). This variant has not been reported in the literature in individuals affected with DFNB59-related conditions. This variant is present in population databases (rs779838675, gnomAD 0.006%). This sequence change creates a premature translational stop signal (p.Arg296*) in the DFNB59 gene. While this is not anticipated to result in nonsense mediated decay, it is expected to disrupt the last 57 amino acid(s) of the DFNB59 protein.

Literature cited by the submitters: PubMed 17718865.

NM_001042702.5(PJVK):c.886C>T (p.Arg296Ter)

Gene: PJVK (pejvakin; plus strand). Cytogenetic location: 2q31.2.
Variant type: single nucleotide variant.
Coding change: c.886C>T on transcript NM_001042702.5 (MANE Select); coding-DNA position 886, C replaced by T.
Protein change: p.Arg296Ter; replaces arginine 296 with a stop codon.
Molecular consequence: nonsense.
Genome position (GRCh38, 1-based): chr2:178,461,101, C>T. VCF-style: chr2-178461101-C-T. GRCh37 (hg19) VCF-style: chr2-179325828-C-T.
Other names: c.895C>T, p.Arg299Ter (NM_001353775.2); c.892C>T, p.Arg298Ter (NM_001353776.2); c.409C>T, p.Arg137Ter (NM_001353777.1, NM_001353778.2); c.886C>T, p.Arg296Ter (NM_001369912.1); short protein forms R137*, R296*, R298*, R299*.
Identifiers: ClinVar variation 2092124 (VCV002092124.4), dbSNP rs779838675, ClinGen allele CA1984323.